The following is an entry in ClinVar:

NM_000092.5(COL4A4):c.2634_2660del (p.Ala880_Gly888del)

Gene: COL4A4 (collagen type IV alpha 4 chain; minus strand). Cytogenetic location: 2q36.3.
Variant type: Deletion.
Coding change: c.2634_2660del on transcript NM_000092.5 (MANE Select); coding-DNA positions 2634 to 2660, 27 bases deleted (TGGGGCACATGGTCCCCCAGGCCTCCC).
Protein change: p.Ala880_Gly888del.
Molecular consequence: inframe deletion.
Genome position (GRCh38, 1-based): chr2:227,056,001-227,056,027, GGGAGGCCTGGGGGACCATGTGCCCCA deleted on the plus strand (TGGGGCACATGGTCCCCCAGGCCTCCC on the coding strand, the reverse complement: COL4A4 is on the minus strand); deleting any 27 consecutive bases within chr2:227,056,001-227,056,029 gives the same sequence; the c. name uses the placement nearest the transcript's 3' end. VCF-style (leftmost placement, unchanged base first): chr2-227056000-TGGGAGGCCTGGGGGACCATGTGCCCCA-T. GRCh37 (hg19) VCF-style: chr2-227920716-TGGGAGGCCTGGGGGACCATGTGCCCCA-T.
Identifiers: ClinVar variation 3061911 (VCV003061911.1), dbSNP rs2474118082, ClinGen allele CA2740096481.

ClinVar aggregate classification (germline): Likely pathogenic (1 of 4 stars; one submission).

Conditions:
Autosomal recessive Alport syndrome (ATS2). Also called: Alport syndrome type 2; COL4A3-Related Nephropathy; COL4A4 Alport Syndrome and Thin Basement Membrane Nephropathy; ALPORT SYNDROME 2, AUTOSOMAL RECESSIVE. Identifiers: Orphanet 63, Orphanet 88919, MedGen C4746745, MONDO:0008762, OMIM 203780.

Submission:

MVZ Medizinische Genetik Mainz
Classification: Likely pathogenic for Autosomal recessive Alport syndrome. Last evaluated: 2023-08-17. Review status: criteria provided, single submitter. Criteria: UK Practice Guidelines For Variant Classification V4 01 2020. Collection method: clinical testing. Allele origin: germline. Inheritance: Autosomal dominant inheritance. Affected: yes. Observed: 1 variant allele.
Comment: PM4,PM2_SUP,PP4